The following is an entry in ClinVar:

ClinVar aggregate classification (germline): Uncertain significance (1 of 4 stars; one submission).

Conditions:
Hereditary cancer-predisposing syndrome. Also called: Neoplastic Syndromes, Hereditary; Tumor predisposition; Hereditary neoplastic syndrome; Hereditary Cancer Syndrome. Identifiers: Orphanet 140162, MedGen C0027672, MeSH D009386, MONDO:0015356.

gnomAD v4.1: 1 of 1,613,524 alleles (0.000062%); no homozygotes.

Submission:

Ambry Genetics
Classification: Uncertain significance for Hereditary cancer-predisposing syndrome. Last evaluated: 2026-06-18. Review status: criteria provided, single submitter. Criteria: Ambry Variant Classification Scheme 2023. Collection method: clinical testing. Allele origin: germline.
Comment: The p.P69T variant (also known as c.205C>A), located in coding exon 1 of the GREM1 gene, results from a C to A substitution at nucleotide position 205. The proline at codon 69 is replaced by threonine, an amino acid with highly similar properties. This amino acid position is conserved. In addition, the in silico prediction for this alteration is inconclusive. Based on the available evidence, the clinical significance of this variant remains unclear.

NM_013372.7(GREM1):c.205C>A (p.Pro69Thr)

Gene: GREM1 (gremlin 1, DAN family BMP antagonist; plus strand). Cytogenetic location: 15q13.3.
Variant type: single nucleotide variant.
Coding change: c.205C>A on transcript NM_013372.7 (MANE Select); coding-DNA position 205, C replaced by A.
Protein change: p.Pro69Thr; replaces proline 69 with threonine.
Molecular consequence: missense variant. On other transcripts: intron variant (2).
Genome position (GRCh38, 1-based): chr15:32,730,895, C>A. VCF-style: chr15-32730895-C-A. GRCh37 (hg19) VCF-style: chr15-33023096-C-A.
Other names: c.205C>A, p.Pro69Thr (NM_001368719.1); c.115-33C>A (NM_001191323.2); c.28-33C>A (NM_001191322.2); short protein forms P69T.
Identifiers: ClinVar variation 5022515 (VCV005022515.1).